The following is an entry in ClinVar:

NM_000186.4(CFH):c.1652T>C (p.Ile551Thr)

Gene: CFH (complement factor H; plus strand). Cytogenetic location: 1q31.3.
Variant type: single nucleotide variant.
Coding change: c.1652T>C on transcript NM_000186.4 (MANE Select); coding-DNA position 1652, T replaced by C.
Protein change: p.Ile551Thr; replaces isoleucine 551 with threonine.
Molecular consequence: missense variant.
Genome position (GRCh38, 1-based): chr1:196,715,725, T>C. VCF-style: chr1-196715725-T-C. GRCh37 (hg19) VCF-style: chr1-196684855-T-C.
Other names: p.Ile551Thr; short protein forms I551T.
Identifiers: ClinVar variation 294494 (VCV000294494.23), dbSNP rs35453854, ClinGen allele CA1305452.

ClinVar aggregate classification (germline): Benign/Likely benign. Review status: criteria provided, multiple submitters, no conflicts (2 of 4 stars). 14 submissions from 8 submitters: Benign (13); Likely benign (1). Last evaluated 2026-09-17.

Conditions:
Basal laminar drusen. Also called: DRUSEN OF BRUCH MEMBRANE; DRUSEN, CUTICULAR; DRUSEN, EARLY ADULT-ONSET, GROUPED. Identifiers: Orphanet 75376, MedGen C0730295, MONDO:0007472, OMIM 126700.
Factor H deficiency (CFHD). Also called: COMPLEMENT FACTOR H DEFICIENCY; CFH DEFICIENCY. Identifiers: Orphanet 200421, MedGen C0398777, MONDO:0012350, OMIM 609814.
Age related macular degeneration 4. Identifiers: MedGen C1853147, MONDO:0012540, OMIM 610698.
Atypical hemolytic-uremic syndrome. Identifiers: Orphanet 2134, MedGen C2931788, MONDO:0016244.
CFH-Related Dense Deposit Disease / Membranoproliferative Glomerulonephritis Type II. Identifiers: MedGen CN071292.
Hemolytic uremic syndrome, atypical, susceptibility to, 1. Also called: AHUS, SUSCEPTIBILITY TO, 1. Identifiers: Orphanet 2134, Orphanet 90038, MedGen C2749604, MONDO:0009335, OMIM 235400. Disease mechanism: Other.

Allele frequency attached by ClinVar (database versions not stated): gnomAD exomes 0.00141 and 0.00396; ExAC 0.00504; gnomAD 0.01471 and 0.01591; ESP Exome Variant Server 0.01576; TOPMed 0.01693; 1000 Genomes Project 0.01917; 1000 Genomes Project 30x 0.02014.
gnomAD v4.1: 4,373 of 1,612,670 alleles (0.27%); highest among the groups gnomAD compares: African/African-American, 5.1%; 114 homozygotes.

Submissions (14):

Genomenon, Inc
Classification: Benign for Age related macular degeneration 4; Atypical hemolytic-uremic syndrome; Factor H deficiency; Basal laminar drusen. Last evaluated: 2026-09-17. Review status: criteria provided, single submitter. Criteria: Genomenon Sequence Variant Interpretation Standards - Updated. Collection method: curation. Allele origin: germline. Affected: no.
Comment: CFH p.Ile551Thr (c.1652T>C) is a missense variant that changes the amino acid at codon 551 from isoleucine to threonine. This variant is present at high allele frequency in population databases. We classify CFH p.Ile551Thr (c.1652T>C) as a benign variant.

Labcorp Genetics (formerly Invitae), Labcorp
Classification: Benign. Last evaluated: 2026-02-01. Review status: criteria provided, single submitter. Criteria: Invitae Variant Classification Sherloc (09022015). Collection method: clinical testing. Allele origin: germline.

Women's Health and Genetics/Laboratory Corporation of America, LabCorp
Classification: Likely benign. Last evaluated: 2026-01-22. Review status: criteria provided, single submitter. Criteria: LabCorp Variant Classification Summary - May 2015. Collection method: clinical testing. Allele origin: germline.

Genome-Nilou Lab
Classification: Benign for Hemolytic uremic syndrome, atypical, susceptibility to, 1. Last evaluated: 2023-04-11. Review status: criteria provided, single submitter. Criteria: ACMG Guidelines, 2015. Collection method: clinical testing. Allele origin: germline. Affected: no.

Genome-Nilou Lab
Classification: Benign for Age related macular degeneration 4. Last evaluated: 2023-04-11. Review status: criteria provided, single submitter. Criteria: ACMG Guidelines, 2015. Collection method: clinical testing. Allele origin: germline. Affected: no.

Genome-Nilou Lab
Classification: Benign for Basal laminar drusen. Last evaluated: 2023-04-11. Review status: criteria provided, single submitter. Criteria: ACMG Guidelines, 2015. Collection method: clinical testing. Allele origin: germline. Affected: no.

Genome-Nilou Lab
Classification: Benign for Factor H deficiency. Last evaluated: 2023-04-11. Review status: criteria provided, single submitter. Criteria: ACMG Guidelines, 2015. Collection method: clinical testing. Allele origin: germline. Affected: no.

Mayo Clinic Laboratories, Mayo Clinic
Classification: Benign. Last evaluated: 2022-11-09. Review status: criteria provided, single submitter. Criteria: ACMG Guidelines, 2015. Collection method: clinical testing. Allele origin: germline. Observed: 97 variant alleles.
Comment: BA1

Genome Diagnostics Laboratory, The Hospital for Sick Children
Classification: Benign for Atypical hemolytic-uremic syndrome. Last evaluated: 2021-06-30. Review status: criteria provided, single submitter. Criteria: ACMG Guidelines, 2015. Collection method: clinical testing. Allele origin: germline.

Illumina Laboratory Services, Illumina
Classification: Benign for Age related macular degeneration 4. Last evaluated: 2018-01-12. Review status: criteria provided, single submitter. Criteria: ICSL Variant Classification Criteria 13 December 2019. Collection method: clinical testing. Allele origin: germline.
Comment: This variant was observed in the ICSL laboratory as part of a predisposition screen in an ostensibly healthy population. It had not been previously curated by ICSL or reported in the Human Gene Mutation Database (HGMD: prior to June 1st, 2018), and was therefore a candidate for classification through an automated scoring system. Utilizing variant allele frequency, disease prevalence and penetrance estimates, and inheritance mode, an automated score was calculated to assess if this variant is too frequent to cause the disease. Based on the score and internal cut-off values, a variant classified as benign is not then subjected to further curation. The score for this variant resulted in a classification of benign for this disease.

Illumina Laboratory Services, Illumina
Classification: Benign for Membranoproliferative glomerulonephritis with complement factor h deficiency. Last evaluated: 2018-01-12. Review status: criteria provided, single submitter. Criteria: ICSL Variant Classification Criteria 13 December 2019. Collection method: clinical testing. Allele origin: germline.
Comment: the same text as in the submission from Illumina Laboratory Services, Illumina above.

Illumina Laboratory Services, Illumina
Classification: Benign for Basal laminar drusen. Last evaluated: 2018-01-12. Review status: criteria provided, single submitter. Criteria: ICSL Variant Classification Criteria 13 December 2019. Collection method: clinical testing. Allele origin: germline.
Comment: the same text as in the submission from Illumina Laboratory Services, Illumina above.

Illumina Laboratory Services, Illumina
Classification: Benign for Hemolytic uremic syndrome, atypical, susceptibility to, 1. Last evaluated: 2018-01-12. Review status: criteria provided, single submitter. Criteria: ICSL Variant Classification Criteria 13 December 2019. Collection method: clinical testing. Allele origin: germline.
Comment: the same text as in the submission from Illumina Laboratory Services, Illumina above.

Breakthrough Genomics
Classification: Benign. Review status: criteria provided, single submitter. Criteria: ACMG Guidelines, 2015. Collection method: not provided. Allele origin: germline. Inheritance: Autosomal recessive inheritance. Affected: yes.